The following is an entry in ClinVar:

NM_006236.3(POU3F3):c.138C>G (p.Gly46=)

Gene: POU3F3 (POU class 3 homeobox 3; plus strand). Cytogenetic location: 2q12.1.
Variant type: single nucleotide variant.
Coding change: c.138C>G on transcript NM_006236.3 (MANE Select); coding-DNA position 138, C replaced by G.
Protein change: p.Gly46=; no amino-acid change (glycine 46 retained).
Molecular consequence: synonymous variant.
Genome position (GRCh38, 1-based): chr2:104,855,648, C>G. VCF-style: chr2-104855648-C-G. GRCh37 (hg19) VCF-style: chr2-105472106-C-G.
Identifiers: ClinVar variation 3388414 (VCV003388414.14).
Genomic context (GRCh38, chr2:104,855,648, plus strand): 5'-GGCAGGGGCTGGCGGCGGCGGGGGTGGCGGCGGCGGCGGCGGCGGGGGCGGCGCAGGGGG[C>G]GGGGGCGGCGGCATGCAGCCGGGCAGCGCCGCCGTGACCTCGGGCGCCTACCGGGGGGAC-3'
Protein context (NP_006227.1, residues 36-56): GGGGGGGGAG[Gly46=]GGGGMQPGSA

ClinVar aggregate classification (germline): Likely benign (1 of 4 stars; one submission).

Submission:

CeGaT Center for Human Genetics Tuebingen
Classification: Likely benign. Last evaluated: 2024-10-01. Review status: criteria provided, single submitter. Criteria: CeGaT Center For Human Genetics Tuebingen Variant Classification Criteria Version 2. Collection method: clinical testing. Allele origin: germline. Affected: yes. Observed: 1 variant allele.
Comment: POU3F3: BP4, BP7, BS1